The following is an entry in ClinVar:

NM_014679.5(CEP57):c.887C>T (p.Ser296Phe)

Gene: CEP57 (centrosomal protein 57; plus strand). Cytogenetic location: 11q21.
Variant type: single nucleotide variant.
Coding change: c.887C>T on transcript NM_014679.5 (MANE Select); coding-DNA position 887, C replaced by T.
Protein change: p.Ser296Phe; replaces serine 296 with phenylalanine.
Molecular consequence: missense variant.
Genome position (GRCh38, 1-based): chr11:95,827,787, C>T. VCF-style: chr11-95827787-C-T. GRCh37 (hg19) VCF-style: chr11-95560951-C-T.
Other names: c.860C>T, p.Ser287Phe (NM_001243776.2); c.809C>T, p.Ser270Phe (NM_001243777.2); c.806C>T, p.Ser269Phe (NM_001363604.2); short protein forms S270F, S287F, S269F, S296F.
Identifiers: ClinVar variation 4001086 (VCV004001086.1).

ClinVar aggregate classification (germline): Uncertain significance (1 of 4 stars; one submission).

Conditions:
Inborn genetic diseases. Identifiers: MedGen C0950123, MeSH D030342.

Submission:

Ambry Genetics
Classification: Uncertain significance for Inborn genetic diseases. Last evaluated: 2025-06-14. Review status: criteria provided, single submitter. Criteria: Ambry Variant Classification Scheme 2023. Collection method: clinical testing. Allele origin: germline.
Comment: The p.S296F variant (also known as c.887C>T), located in coding exon 9 of the CEP57 gene, results from a C to T substitution at nucleotide position 887. The serine at codon 296 is replaced by phenylalanine, an amino acid with highly dissimilar properties. This amino acid position is conserved. In addition, the in silico prediction for this alteration is inconclusive. Based on the available evidence, the clinical significance of this variant remains unclear.